The following is an entry in ClinVar:

NM_000878.5(IL2RB):c.929C>T (p.Ser310Leu)

Gene: IL2RB (interleukin 2 receptor subunit beta; minus strand). Cytogenetic location: 22q12.3.
Variant type: single nucleotide variant.
Coding change: c.929C>T on transcript NM_000878.5 (MANE Select); coding-DNA position 929, C replaced by T.
Protein change: p.Ser310Leu; replaces serine 310 with leucine.
Molecular consequence: missense variant.
Genome position (GRCh38, 1-based): chr22:37,128,823, G>A on the plus strand (C>T on the coding strand, the complement: IL2RB is on the minus strand). VCF-style: chr22-37128823-G-A. GRCh37 (hg19) VCF-style: chr22-37524863-G-A.
Other names: c.929C>T, p.Ser310Leu (NM_001346222.1, NM_001346223.2); short protein forms S310L.
Identifiers: ClinVar variation 3351859 (VCV003351859.1).
Genomic context (GRCh38, chr22:37,128,823, plus strand): 5'-CTCTCCAGCACTTCTAGTGGCGAGATCTCAGGTGCCAGGCCGCCAGGGCTGAAGGACGAT[G>A]AGGGGAAGGGCGAAGAGAGCCACTTCTGGTGGGAGAAAGGCCAGGGGTGGGTGAGTGGGG-3'
Protein context (NP_000869.1, residues 300-320): VQKWLSSPFP[Ser310Leu]SSFSPGGLAP

ClinVar aggregate classification (germline): Uncertain significance (0 of 4 stars; one submission).

Conditions:
IL2RB-related disorder. Also called: IL2RB-related condition.

gnomAD v4.1: 12 of 1,609,340 alleles (0.00075%); highest among the groups gnomAD compares: Non-Finnish European, 0.001%; no homozygotes.

Submission:

PreventionGenetics, part of Exact Sciences
Classification: Uncertain significance for IL2RB-related condition. Last evaluated: 2024-08-08. Review status: no assertion criteria provided. Collection method: clinical testing. Allele origin: germline.
Comment: The IL2RB c.929C>T variant is predicted to result in the amino acid substitution p.Ser310Leu. To our knowledge, this variant has not been reported in the literature. This variant is reported in 0.0018% of alleles in individuals of European (Non-Finnish) descent in gnomAD. At this time, the clinical significance of this variant is uncertain due to the absence of conclusive functional and genetic evidence.